The following is an entry in ClinVar:

ClinVar aggregate classification (germline): Likely benign. Review status: criteria provided, multiple submitters, no conflicts (2 of 4 stars). 4 submissions from 4 submitters: Likely benign (3). 1 of the submissions does not count toward it. Last evaluated 2025-09-24.

Conditions:
BBS9-related disorder. Also called: BBS9-related condition.
Bardet-Biedl syndrome (BBS). Identifiers: Orphanet 110, MedGen C0752166, MONDO:0015229.
Bardet-Biedl syndrome 9 (BBS9). Identifiers: Orphanet 110, MedGen C1859567, MONDO:0014437, OMIM 615986.

gnomAD v4.1: 20 of 1,613,396 alleles (0.0012%); highest among the groups gnomAD compares: Admixed American, 0.03%; no homozygotes.

Submissions (4):

Labcorp Genetics (formerly Invitae), Labcorp
Classification: Likely benign for Bardet-Biedl syndrome. Last evaluated: 2025-09-24. Review status: criteria provided, single submitter. Criteria: Invitae Variant Classification Sherloc (09022015). Collection method: clinical testing. Allele origin: germline.

Fulgent Genetics
Classification: Likely benign for Bardet-Biedl syndrome 9. Last evaluated: 2021-10-19. Review status: criteria provided, single submitter. Criteria: ACMG Guidelines, 2015. Collection method: clinical testing. Allele origin: unknown.

Blueprint Genetics
Classification: Likely benign. Last evaluated: 2019-02-07. Review status: criteria provided, single submitter. Criteria: ACMG Guidelines, 2015. Collection method: clinical testing. Allele origin: germline.

PreventionGenetics, part of Exact Sciences
Classification: Likely benign for BBS9-related condition. Last evaluated: 2022-08-29. Review status: no assertion criteria provided. Collection method: clinical testing. Allele origin: germline. Not counted in ClinVar's aggregate classification.
Comment: This variant is classified as likely benign based on ACMG/AMP sequence variant interpretation guidelines (Richards et al. 2015 PMID: 25741868, with internal and published modifications).

NM_198428.3(BBS9):c.195C>A (p.Ala65=)

Gene: BBS9 (Bardet-Biedl syndrome 9; plus strand). Cytogenetic location: 7p14.3.
Variant type: single nucleotide variant.
Coding change: c.195C>A on transcript NM_198428.3 (MANE Select); coding-DNA position 195, C replaced by A.
Protein change: p.Ala65=; no amino-acid change (alanine 65 retained).
Molecular consequence: synonymous variant. On other transcripts: 5 prime UTR variant (4), non-coding transcript variant (3), intron variant (2).
Genome position (GRCh38, 1-based): chr7:33,152,783, C>A. VCF-style: chr7-33152783-C-A. GRCh37 (hg19) VCF-style: chr7-33192395-C-A.
Other names: c.195C>A, p.Ala65= (NM_001033604.2, NM_001033605.2, NM_001348036.1 and 5 more transcripts); c.-107C>A (NM_001348037.3, NM_001348045.3); c.-83C>A (NM_001348038.3, NM_001348039.3); c.60C>A, p.Ala20= (NM_001348042.3); c.-39+22742C>A (NM_001348046.3, NM_001348044.3); c.195C>A (NM_198428.2).
Identifiers: ClinVar variation 1135979 (VCV001135979.13), dbSNP rs373063776, ClinGen allele CA4213896.